The following is an entry in ClinVar:

ClinVar aggregate classification (germline): Uncertain significance (1 of 4 stars; one submission).

Submission:

GeneDx
Classification: Uncertain significance. Last evaluated: 2026-03-11. Review status: criteria provided, single submitter. Criteria: GeneDx Variant Classification Process June 2021. Collection method: clinical testing. Allele origin: germline.
Comment: Not observed at significant frequency in large population cohorts (gnomAD); In silico analysis supports that this missense variant has a deleterious effect on protein structure/function; Has not been previously published as pathogenic or benign to our knowledge

NM_001012426.2(FOXP4):c.692G>C (p.Trp231Ser)

Gene: FOXP4 (forkhead box P4; plus strand). Cytogenetic location: 6p21.1.
Variant type: single nucleotide variant.
Coding change: c.692G>C on transcript NM_001012426.2 (MANE Select); coding-DNA position 692, G replaced by C.
Protein change: p.Trp231Ser; replaces tryptophan 231 with serine.
Molecular consequence: missense variant.
Genome position (GRCh38, 1-based): chr6:41,587,332, G>C. VCF-style: chr6-41587332-G-C. GRCh37 (hg19) VCF-style: chr6-41555070-G-C.
Other names: c.686G>C, p.Trp229Ser (NM_001012427.2); c.692G>C, p.Trp231Ser (NM_001405824.1); c.596G>C, p.Trp199Ser (NM_001405825.1, NM_001405826.1); c.689G>C, p.Trp230Ser (NM_138457.3); short protein forms W230S, W199S, W229S, W231S.
Identifiers: ClinVar variation 5008026 (VCV005008026.1).